The following is an entry in ClinVar:

NM_000051.4(ATM):c.497A>T (p.Glu166Val)

Gene: ATM (ATM serine/threonine kinase; plus strand). Cytogenetic location: 11q22.3.
Variant type: single nucleotide variant.
Coding change: c.497A>T on transcript NM_000051.4 (MANE Select); coding-DNA position 497, A replaced by T.
Protein change: p.Glu166Val; replaces glutamic acid 166 with valine.
Molecular consequence: missense variant.
Genome position (GRCh38, 1-based): chr11:108,243,953, A>T. VCF-style: chr11-108243953-A-T. GRCh37 (hg19) VCF-style: chr11-108114680-A-T.
Other names: c.497A>T, p.Glu166Val (NM_001351834.2); short protein forms E166V.
Identifiers: ClinVar variation 216220 (VCV000216220.17), dbSNP rs863224573, ClinGen allele CA336524.
Genomic context (GRCh38, chr11:108,243,953, plus strand): 5'-ACATTTAATACATTTTGATTTTTAAAAAATCATGACTAATAATTTTTTTTTTTTTTTAAG[A>T]ATTGTTCTCTGTGTACTTCAGGCTCTATCTGAAACCTTCACAAGATGTTCATAGAGTTTT-3'
Protein context (NP_000042.3, residues 156-176): WCEISQQQWL[Glu166Val]LFSVYFRLYL

ClinVar aggregate classification (germline): Uncertain significance. Review status: criteria provided, multiple submitters, no conflicts (2 of 4 stars). 2 submissions from 2 submitters: Uncertain significance (2). Last evaluated 2025-12-16.

Conditions:
Hereditary cancer-predisposing syndrome. Also called: Tumor predisposition; Hereditary neoplastic syndrome; Hereditary Cancer Syndrome; Neoplastic Syndromes, Hereditary. Identifiers: Orphanet 140162, MedGen C0027672, MeSH D009386, MONDO:0015356.
Ataxia-telangiectasia syndrome (AT). Also called: Ataxia-telangiectasia; Cerebello-oculocutaneous telangiectasia; Immunodeficiency with ataxia telangiectasia; Ataxia-telangiectasia, complementation group D; AT, COMPLEMENTATION GROUP C; LOUIS-BAR SYNDROME. Identifiers: Orphanet 100, MedGen C0004135, MONDO:0008840, OMIM 208900.

Submissions (2):

Ambry Genetics
Classification: Uncertain significance for Hereditary cancer-predisposing syndrome. Last evaluated: 2025-12-16. Review status: criteria provided, single submitter. Criteria: Ambry Variant Classification Scheme 2023. Collection method: clinical testing. Allele origin: germline.
Comment: The p.E166V variant (also known as c.497A>T) is located in coding exon 5 of the ATM gene. This variant impacts the first base pair of coding exon 5. The glutamic acid at codon 166 is replaced by valine, an amino acid with dissimilar properties. In an assay testing ATM function, this variant showed a functionally indeterminant result (Lee KS et al. Cell, 2025 Sep;188:5081-5099.e27). This amino acid position is well conserved in available vertebrate species. In addition, this alteration is predicted to be tolerated by in silico analysis. Based on the available evidence, the clinical significance of this variant remains unclear.

Labcorp Genetics (formerly Invitae), Labcorp
Classification: Uncertain significance for Ataxia-telangiectasia syndrome. Last evaluated: 2025-11-27. Review status: criteria provided, single submitter. Criteria: Invitae Variant Classification Sherloc (09022015). Collection method: clinical testing. Allele origin: germline.
Comment: This sequence change replaces glutamic acid, which is acidic and polar, with valine, which is neutral and non-polar, at codon 166 of the ATM protein (p.Glu166Val). This variant is not present in population databases (gnomAD no frequency). This variant has not been reported in the literature in individuals affected with ATM-related conditions. ClinVar contains an entry for this variant (Variation ID: 216220). An algorithm developed to predict the effect of missense changes on protein structure and function (PolyPhen-2) suggests that this variant is likely to be tolerated. Algorithms developed to predict the effect of sequence changes on RNA splicing suggest that this variant may disrupt the consensus splice site. In summary, the available evidence is currently insufficient to determine the role of this variant in disease. Therefore, it has been classified as a Variant of Uncertain Significance.

Literature cited by the submitters: PubMed 40580951 (cited by Ambry Genetics).